The following is an entry in ClinVar:

NM_001378609.3(OTOGL):c.403G>T (p.Asp135Tyr)

Gene: OTOGL (otogelin like; plus strand). Cytogenetic location: 12q21.31.
Variant type: single nucleotide variant.
Coding change: c.403G>T on transcript NM_001378609.3 (MANE Select); coding-DNA position 403, G replaced by T.
Protein change: p.Asp135Tyr; replaces aspartic acid 135 with tyrosine.
Molecular consequence: missense variant.
Genome position (GRCh38, 1-based): chr12:80,222,159, G>T. VCF-style: chr12-80222159-G-T. GRCh37 (hg19) VCF-style: chr12-80615939-G-T.
Other names: c.403G>T, p.Asp135Tyr (NM_001368062.3, NM_001378610.3, NM_173591.7); short protein forms D135Y.
Identifiers: ClinVar variation 1477959 (VCV001477959.8), dbSNP rs200262168, ClinGen allele CA385855855.

ClinVar aggregate classification (germline): Uncertain significance (1 of 4 stars; one submission).

Submission:

Labcorp Genetics (formerly Invitae), Labcorp
Classification: Uncertain significance. Last evaluated: 2020-12-12. Review status: criteria provided, single submitter. Criteria: Invitae Variant Classification Sherloc (09022015). Collection method: clinical testing. Allele origin: germline.
Comment: This variant has not been reported in the literature in individuals with OTOGL-related conditions. This variant is not present in population databases (ExAC no frequency). This sequence change replaces aspartic acid with tyrosine at codon 126 of the OTOGL protein (p.Asp126Tyr). The aspartic acid residue is moderately conserved and there is a large physicochemical difference between aspartic acid and tyrosine. Algorithms developed to predict the effect of missense changes on protein structure and function are either unavailable or do not agree on the potential impact of this missense change (SIFT: "Deleterious"; PolyPhen-2: "Probably Damaging"; Align-GVGD: "Class C0"). In summary, the available evidence is currently insufficient to determine the role of this variant in disease. Therefore, it has been classified as a Variant of Uncertain Significance.